The following is an entry in ClinVar:

NM_000257.4(MYH7):c.5287G>T (p.Ala1763Ser)

Genes: MYH7 (myosin heavy chain 7; minus strand), LOC126861897 (BRD4-independent group 4 enhancer GRCh37_chr14:23884455-23885654; plus strand). Cytogenetic location: 14q11.2.
Variant type: single nucleotide variant.
Coding change: c.5287G>T on transcript NM_000257.4 (MANE Select); coding-DNA position 5287, G replaced by T.
Protein change: p.Ala1763Ser; replaces alanine 1763 with serine.
Molecular consequence: missense variant.
Genome position (GRCh38, 1-based): chr14:23,415,267, C>A on the plus strand (G>T on the coding strand, the complement: MYH7 is on the minus strand). VCF-style: chr14-23415267-C-A. GRCh37 (hg19) VCF-style: chr14-23884476-C-A.
Other names: c.5287G>T, p.Ala1763Ser (NM_001407004.1); short protein forms A1763S.
Identifiers: ClinVar variation 2689497 (VCV002689497.6), dbSNP rs727504355, ClinGen allele CA389035966.

ClinVar aggregate classification (germline): Uncertain significance. Review status: criteria provided, multiple submitters, no conflicts (2 of 4 stars). 4 submissions from 4 submitters: Uncertain significance (4). Last evaluated 2025-05-26.

Conditions:
Cardiomyopathy (CMYO). Also called: Cardiomyopathies. Identifiers: Orphanet 167848, MedGen C0878544, MONDO:0004994, HP:0001638. Inheritance: Various modes of inheritance.
Hypertrophic cardiomyopathy. Also called: HYPERTROPHIC MYOCARDIOPATHY. Identifiers: Orphanet 217569, MedGen C0007194, MeSH D002312, MONDO:0005045, HP:0001639.

gnomAD v4.1: 6 of 1,614,260 alleles (0.00037%); highest among the groups gnomAD compares: Non-Finnish European, 0.00051%; no homozygotes.

Submissions (4):

Color Diagnostics, LLC DBA Color Health
Classification: Uncertain significance for Cardiomyopathy. Last evaluated: 2025-05-26. Review status: criteria provided, single submitter. Criteria: ACMG Guidelines, 2015. Collection method: clinical testing. Allele origin: germline.
Comment: This missense variant replaces alanine with serine at codon 1763 of the MYH7 protein. Computational prediction suggests that this variant may not impact protein structure and function. To our knowledge, functional studies have not been reported for this variant. This variant has not been reported in individuals affected with MYH7-related disorders in the literature. This variant has not been identified in the general population by the Genome Aggregation Database (gnomAD). The available evidence is insufficient to determine the role of this variant in disease conclusively. Therefore, this variant is classified as a Variant of Uncertain Significance.

Labcorp Genetics (formerly Invitae), Labcorp
Classification: Uncertain significance for Hypertrophic cardiomyopathy. Last evaluated: 2024-12-22. Review status: criteria provided, single submitter. Criteria: Invitae Variant Classification Sherloc (09022015). Collection method: clinical testing. Allele origin: germline.
Comment: This sequence change replaces alanine, which is neutral and non-polar, with serine, which is neutral and polar, at codon 1763 of the MYH7 protein (p.Ala1763Ser). This variant is not present in population databases (gnomAD no frequency). This variant has not been reported in the literature in individuals affected with MYH7-related conditions. ClinVar contains an entry for this variant (Variation ID: 2689497). Invitae Evidence Modeling of protein sequence and biophysical properties (such as structural, functional, and spatial information, amino acid conservation, physicochemical variation, residue mobility, and thermodynamic stability) has been performed for this missense variant. However, the output from this modeling did not meet the statistical confidence thresholds required to predict the impact of this variant on MYH7 protein function. In summary, the available evidence is currently insufficient to determine the role of this variant in disease. Therefore, it has been classified as a Variant of Uncertain Significance.

Blueprint Genetics
Classification: Uncertain significance. Last evaluated: 2024-08-27. Review status: criteria provided, single submitter. Criteria: ACMG Guidelines, 2015. Collection method: clinical testing. Allele origin: germline.

Revvity Omics, Revvity
Classification: Uncertain significance. Last evaluated: 2023-08-16. Review status: criteria provided, single submitter. Criteria: ACMG Guidelines, 2015. Collection method: clinical testing. Allele origin: germline.